The following is an entry in ClinVar:

NM_000270.4(PNP):c.173G>A (p.Arg58Gln)

Gene: PNP (purine nucleoside phosphorylase; plus strand). Cytogenetic location: 14q11.2.
Variant type: single nucleotide variant.
Coding change: c.173G>A on transcript NM_000270.4 (MANE Select); coding-DNA position 173, G replaced by A.
Protein change: p.Arg58Gln; replaces arginine 58 with glutamine.
Molecular consequence: missense variant.
Genome position (GRCh38, 1-based): chr14:20,472,469, G>A. VCF-style: chr14-20472469-G-A. GRCh37 (hg19) VCF-style: chr14-20940628-G-A.
Other names: short protein forms R58Q.
Identifiers: ClinVar variation 1393427 (VCV001393427.6), dbSNP rs199763463, ClinGen allele CA7082016.

ClinVar aggregate classification (germline): Uncertain significance (1 of 4 stars; one submission).

Conditions:
Purine-nucleoside phosphorylase deficiency. Also called: NUCLEOSIDE PHOSPHORYLASE DEFICIENCY; Immunodeficiency due to purine nucleoside phosphorylase deficiency. Identifiers: Orphanet 760, MedGen C0268125, MONDO:0013171, OMIM 613179.

Allele frequency attached by ClinVar (database versions not stated): TOPMed 0.00002; ExAC 0.00003; gnomAD 0.00003 and 0.00004.
gnomAD v4.1: 144 of 1,613,702 alleles (0.0089%); highest among the groups gnomAD compares: East Asian, 0.042%; no homozygotes.

Submission:

Labcorp Genetics (formerly Invitae), Labcorp
Classification: Uncertain significance for Purine-nucleoside phosphorylase deficiency. Last evaluated: 2024-12-02. Review status: criteria provided, single submitter. Criteria: Invitae Variant Classification Sherloc (09022015). Collection method: clinical testing. Allele origin: germline.
Comment: This sequence change replaces arginine, which is basic and polar, with glutamine, which is neutral and polar, at codon 58 of the PNP protein (p.Arg58Gln). This variant is present in population databases (rs199763463, gnomAD 0.007%). This variant has not been reported in the literature in individuals affected with PNP-related conditions. ClinVar contains an entry for this variant (Variation ID: 1393427). An algorithm developed to predict the effect of missense changes on protein structure and function outputs the following: PolyPhen-2: "Benign". The glutamine amino acid residue is found in multiple mammalian species, which suggests that this missense change does not adversely affect protein function. In summary, the available evidence is currently insufficient to determine the role of this variant in disease. Therefore, it has been classified as a Variant of Uncertain Significance.